The following is an entry in ClinVar:

ClinVar aggregate classification (germline): Pathogenic/Likely pathogenic. Review status: criteria provided, multiple submitters, no conflicts (2 of 4 stars). 2 submissions from 2 submitters: Pathogenic (1); Likely pathogenic (1). Last evaluated 2025-07-22.

Conditions:
Alagille syndrome due to a JAG1 point mutation. Also called: Alagille Syndrome 1; JAG1-Related Alagille Syndrome; HEPATIC DUCTULAR HYPOPLASIA, SYNDROMATIC. Identifiers: Orphanet 261619, Orphanet 52, MedGen C1956125, MONDO:0016862, OMIM 118450.

Allele frequency attached by ClinVar (database versions not stated): ExAC 0.00001; gnomAD 0.00001; 1000 Genomes Project 30x 0.00016; 1000 Genomes Project 0.00020.
gnomAD v4.1: 1 of 1,612,998 alleles (0.000062%); highest among the groups gnomAD compares: African/African-American, 0.0013%; no homozygotes.

Submissions (2):

Institute of Immunology and Genetics Kaiserslautern
Classification: Likely pathogenic for Alagille syndrome due to a JAG1 point mutation. Last evaluated: 2025-07-22. Review status: criteria provided, single submitter. Criteria: ACMG Guidelines, 2015. Collection method: clinical testing. Allele origin: germline. Affected: yes.
Comment: ACMG Criteria: PS3, PM1, PM2_P, PP3, PP5; Variant was found in heterozygous state.

CeGaT Center for Human Genetics Tuebingen
Classification: Pathogenic. Last evaluated: 2018-12-01. Review status: criteria provided, single submitter. Criteria: CeGaT Center For Human Genetics Tuebingen Variant Classification Criteria Version 2. Collection method: clinical testing. Allele origin: germline. Affected: yes. Observed: 3 variant alleles.

NM_000214.3(JAG1):c.2078G>A (p.Cys693Tyr)

Gene: JAG1 (jagged canonical Notch ligand 1; minus strand). Cytogenetic location: 20p12.2.
Variant type: single nucleotide variant.
Coding change: c.2078G>A on transcript NM_000214.3 (MANE Select); coding-DNA position 2078, G replaced by A.
Protein change: p.Cys693Tyr; replaces cysteine 693 with tyrosine.
Molecular consequence: missense variant.
Genome position (GRCh38, 1-based): chr20:10,645,391, C>T on the plus strand (G>A on the coding strand, the complement: JAG1 is on the minus strand). VCF-style: chr20-10645391-C-T. GRCh37 (hg19) VCF-style: chr20-10626039-C-T.
Other names: short protein forms C693Y.
Identifiers: ClinVar variation 871375 (VCV000871375.42), dbSNP rs566563238, ClinGen allele CA9764659.